The following is an entry in ClinVar:

ClinVar aggregate classification (germline): Uncertain significance. Review status: criteria provided, multiple submitters, no conflicts (2 of 4 stars). 3 submissions from 3 submitters: Uncertain significance (3). Last evaluated 2025-07-02.

Conditions:
Inborn genetic diseases. Identifiers: MedGen C0950123, MeSH D030342.

Allele frequency attached by ClinVar (database versions not stated): gnomAD 0.00001; ExAC 0.00002; TOPMed 0.00003; gnomAD exomes 0.00004.
gnomAD v4.1: 62 of 1,612,100 alleles (0.0038%); highest among the groups gnomAD compares: Non-Finnish European, 0.0052%; no homozygotes.

Submissions (3):

GeneDx
Classification: Uncertain significance. Last evaluated: 2025-07-02. Review status: criteria provided, single submitter. Criteria: GeneDx Variant Classification Process June 2021. Collection method: clinical testing. Allele origin: germline. Affected: yes.
Comment: In silico analysis suggests that this missense variant does not alter protein structure/function; Has not been previously published as pathogenic or benign to our knowledge

Labcorp Genetics (formerly Invitae), Labcorp
Classification: Uncertain significance. Last evaluated: 2025-04-23. Review status: criteria provided, single submitter. Criteria: Invitae Variant Classification Sherloc (09022015). Collection method: clinical testing. Allele origin: germline.
Comment: This sequence change replaces methionine, which is neutral and non-polar, with valine, which is neutral and non-polar, at codon 311 of the CUL7 protein (p.Met311Val). This variant is present in population databases (rs770260622, gnomAD 0.006%). This variant has not been reported in the literature in individuals affected with CUL7-related conditions. ClinVar contains an entry for this variant (Variation ID: 2358590). An algorithm developed to predict the effect of missense changes on protein structure and function (PolyPhen-2) suggests that this variant is likely to be disruptive. In summary, the available evidence is currently insufficient to determine the role of this variant in disease. Therefore, it has been classified as a Variant of Uncertain Significance.

Ambry Genetics
Classification: Uncertain significance for Inborn genetic diseases. Last evaluated: 2021-12-06. Review status: criteria provided, single submitter. Criteria: Ambry Variant Classification Scheme 2023. Collection method: clinical testing. Allele origin: germline.

NM_014780.5(CUL7):c.931A>G (p.Met311Val)

Gene: CUL7 (cullin 7; minus strand). Cytogenetic location: 6p21.1.
Variant type: single nucleotide variant.
Coding change: c.931A>G on transcript NM_014780.5 (MANE Select); coding-DNA position 931, A replaced by G.
Protein change: p.Met311Val; replaces methionine 311 with valine.
Molecular consequence: missense variant.
Genome position (GRCh38, 1-based): chr6:43,051,270, T>C on the plus strand (A>G on the coding strand, the complement: CUL7 is on the minus strand). VCF-style: chr6-43051270-T-C. GRCh37 (hg19) VCF-style: chr6-43019008-T-C.
Other names: c.1027A>G, p.Met343Val (NM_001168370.2, NM_001374872.1); c.931A>G, p.Met311Val (NM_001374873.1, NM_001374874.1); short protein forms M311V, M343V.
Identifiers: ClinVar variation 2358590 (VCV002358590.4), dbSNP rs770260622, ClinGen allele CA3814270.